The following is an entry in ClinVar:

ClinVar aggregate classification (germline): Pathogenic. Review status: reviewed by expert panel (3 of 4 stars). 3 submissions from 3 submitters: Pathogenic (1). 2 of the submissions do not count toward it. Last evaluated 2025-10-28.

Conditions:
CDKL5 disorder. Identifiers: MedGen CN296942, MONDO:0100039.

Submissions (3):

ClinGen Rett and Angelman-like Disorders Variant Curation Expert Panel
Classification: Pathogenic for CDKL5 disorder. Last evaluated: 2025-10-28. Review status: reviewed by expert panel. Criteria: ClinGen RettAS ACMG Specifications CDKL5 V5.0.0. Collection method: curation. Allele origin: germline. Inheritance: X-linked inheritance.
Comment: The p.Tyr117Ter variant in CDKL5 is predicted to cause a premature stop codon that leads to a truncated or absent protein in a gene where loss-of-function is an established mechanism. There is significant evidence that loss of this region of the gene is pathogenic (PVS1). The p.Tyr117Ter variant in CDKL5 has been reported as a de novo occurrence (biological parentage confirmed) in an individual with features of CDKL5 disorder (internal database - GeneDx) (PS2). The p.Tyr117Ter variant has been observed in at least 1 additional individual with CDKL5 disorder (PMID: 31313283) (PS4_supporting). The p.Tyr117Ter variant in CDKL5 is absent from gnomAD v4.1.0 (PM2_Supporting). In summary, the p.Tyr117Ter variant in CDKL5 is classified as Pathogenic for CDKL5 disorder based on the ACMG/AMP criteria (PVS1, PS2, PS4_supporting, PM2_supporting). (CDKL5 Specifications v5.0; curation approved on 10/28/2025).

GeneDx
Classification: Pathogenic. Last evaluated: 2025-02-05. Review status: criteria provided, single submitter. Criteria: GeneDx Variant Classification Process June 2021. Collection method: clinical testing. Allele origin: germline. Affected: yes. Not counted in ClinVar's aggregate classification.
Comment: Reported in two patients with epilepsy and/or neurodevelopmental disorders, but detailed clinical information and segregation information were not provided (PMID: 29655203, 31313283); Nonsense variant predicted to result in protein truncation or nonsense mediated decay in a gene for which loss of function is a known mechanism of disease; Not observed at significant frequency in large population cohorts (gnomAD); This variant is associated with the following publications: (PMID: 29655203, 31313283)

Centre for Population Genomics, CPG
Classification: Uncertain significance for CDKL5 disorder. Last evaluated: 2024-07-16. Review status: criteria provided, single submitter. Criteria: McKnight et al. (Hum Mutat. 2022). Collection method: curation. Allele origin: germline. Inheritance: X-linked inheritance. Not counted in ClinVar's aggregate classification.
Comment: This variant has been collected from RettBASE and curated to current modified ACMG/AMP criteria. Based on the classification scheme defined by the ClinGen Rett/Angelman-like Expert Panel for Rett/AS-like Disorders Specifications to the ACMG/AMP Variant Interpretation Guidelines VCEP 3.0, this variant is classified as likely pathogenic. At least the following criteria are met: Predicted to result in loss of function, and LOF is a known mechanism of disease (PVS1). This variant is absent from gnomAD (PM2_Supporting).

NM_001323289.2(CDKL5):c.351T>A (p.Tyr117Ter)

Gene: CDKL5 (cyclin dependent kinase like 5; plus strand). Cytogenetic location: Xp22.13.
Variant type: single nucleotide variant.
Coding change: c.351T>A on transcript NM_001323289.2 (MANE Select); coding-DNA position 351, T replaced by A.
Protein change: p.Tyr117Ter; replaces tyrosine 117 with a stop codon.
Molecular consequence: nonsense.
Genome position (GRCh38, 1-based): chrX:18,579,916, T>A. VCF-style: chrX-18579916-T-A. GRCh37 (hg19) VCF-style: chrX-18598036-T-A.
Other names: p.Y117*:TAT>TAA; NM_001323289.2(CDKL5):c.351T>A; p.Tyr117Ter; c.351T>A, p.Tyr117Ter (NM_001037343.2, NM_003159.3); short protein forms Y117*.
Identifiers: ClinVar variation 156596 (VCV000156596.4), dbSNP rs587783077, ClinGen allele CA294591.